The following is an entry in ClinVar:

ClinVar aggregate classification (germline): Uncertain significance (1 of 4 stars; one submission).

Submission:

GeneDx
Classification: Uncertain significance. Last evaluated: 2026-01-29. Review status: criteria provided, single submitter. Criteria: GeneDx Variant Classification Process June 2021. Collection method: clinical testing. Allele origin: germline.
Comment: Not observed at significant frequency in large population cohorts (gnomAD); In silico analysis supports that this missense variant has a deleterious effect on protein structure/function; Has not been previously published as pathogenic or benign to our knowledge

NM_198525.3(KIF7):c.1541T>C (p.Met514Thr)

Gene: KIF7 (kinesin family member 7; minus strand). Cytogenetic location: 15q26.1.
Variant type: single nucleotide variant.
Coding change: c.1541T>C on transcript NM_198525.3 (MANE Select); coding-DNA position 1541, T replaced by C.
Protein change: p.Met514Thr; replaces methionine 514 with threonine.
Molecular consequence: missense variant.
Genome position (GRCh38, 1-based): chr15:89,647,615, A>G on the plus strand (T>C on the coding strand, the complement: KIF7 is on the minus strand). VCF-style: chr15-89647615-A-G. GRCh37 (hg19) VCF-style: chr15-90190846-A-G.
Other names: short protein forms M514T.
Identifiers: ClinVar variation 4888027 (VCV004888027.1).